The following is an entry in ClinVar:

ClinVar aggregate classification (germline): Conflicting classifications of pathogenicity. Review status: criteria provided, conflicting classifications (1 of 4 stars). 10 submissions from 10 submitters: Uncertain significance (1); Benign (2); Likely benign (7). Last evaluated 2026-03-01.

Conditions:
Dilated cardiomyopathy 1G (CMD1G). Identifiers: Orphanet 154, MedGen C1858763, MONDO:0011400, OMIM 604145.
Autosomal recessive limb-girdle muscular dystrophy type 2J (LGMDR10). Also called: MUSCULAR DYSTROPHY, LIMB-GIRDLE, AUTOSOMAL RECESSIVE 10; Limb-girdle muscular dystrophy, type 2J. Identifiers: Orphanet 140922, MedGen C1837342, MONDO:0012127, OMIM 608807.
Cardiovascular phenotype. Identifiers: MedGen CN230736.
Cardiomyopathy (CMYO). Also called: Cardiomyopathies. Identifiers: Orphanet 167848, MedGen C0878544, MONDO:0004994, HP:0001638. Inheritance: Various modes of inheritance.

Allele frequency attached by ClinVar (database versions not stated): gnomAD 0.00014 and 0.00012; ESP Exome Variant Server 0.00008; gnomAD exomes 0.00009 and 0.00022; TOPMed 0.00012; ExAC 0.00018.
gnomAD v4.1: 158 of 1,610,788 alleles (0.0098%); highest among the groups gnomAD compares: Non-Finnish European, 0.0014%; no homozygotes.

Submissions (10):

CeGaT Center for Human Genetics Tuebingen
Classification: Likely benign. Last evaluated: 2026-03-01. Review status: criteria provided, single submitter. Criteria: CeGaT Center For Human Genetics Tuebingen Variant Classification Criteria Version 2. Collection method: clinical testing. Allele origin: germline. Affected: yes. Observed: 10 variant alleles.
Comment: TTN: BP4, BP7

Labcorp Genetics (formerly Invitae), Labcorp
Classification: Benign for Dilated cardiomyopathy 1G; Autosomal recessive limb-girdle muscular dystrophy type 2J. Last evaluated: 2026-01-12. Review status: criteria provided, single submitter. Criteria: Invitae Variant Classification Sherloc (09022015). Collection method: clinical testing. Allele origin: germline.

Women's Health and Genetics/Laboratory Corporation of America, LabCorp
Classification: Likely benign. Last evaluated: 2025-12-19. Review status: criteria provided, single submitter. Criteria: LabCorp Variant Classification Summary - May 2015. Collection method: clinical testing. Allele origin: germline.

ARUP Laboratories, Molecular Genetics and Genomics, ARUP Laboratories
Classification: Likely benign. Last evaluated: 2025-05-14. Review status: criteria provided, single submitter. Criteria: ARUP Molecular Germline Variant Investigation Process 2024. Collection method: clinical testing. Allele origin: germline.

Molecular Diagnostic Laboratory for Inherited Cardiovascular Disease, Montreal Heart Institute
Classification: Likely benign. Last evaluated: 2025-04-09. Review status: criteria provided, single submitter. Criteria: ACMG Guidelines, 2015. Collection method: clinical testing. Allele origin: germline. Affected: no.
Comment: BP1;BP6

Ambry Genetics
Classification: Likely benign for Cardiovascular phenotype. Last evaluated: 2020-03-20. Review status: criteria provided, single submitter. Criteria: Ambry Variant Classification Scheme 2023. Collection method: clinical testing. Allele origin: germline.

Eurofins Ntd Llc (ga)
Classification: Likely benign. Last evaluated: 2018-05-02. Review status: criteria provided, single submitter. Criteria: EGL ClinVar v180209 classification definitions. Collection method: clinical testing. Allele origin: germline. Observed: 2 variant alleles, 2 heterozygotes.

CHEO Genetics Diagnostic Laboratory, Children's Hospital of Eastern Ontario
Classification: Uncertain significance for Cardiomyopathy. Last evaluated: 2016-06-16. Review status: criteria provided, single submitter. Criteria: ACMG Guidelines, 2015. Collection method: clinical testing. Allele origin: germline. Study: Canadian Open Genetics Repository.

GeneDx
Classification: Benign. Last evaluated: 2014-12-02. Review status: criteria provided, single submitter. Criteria: GeneDx Variant Classification (06012015). Collection method: clinical testing. Allele origin: germline. Affected: yes.
Comment: This variant is considered likely benign or benign based on one or more of the following criteria: it is a conservative change, it occurs at a poorly conserved position in the protein, it is predicted to be benign by multiple in silico algorithms, and/or has population frequency not consistent with disease.

Laboratory for Molecular Medicine, Mass General Brigham Personalized Medicine
Classification: Likely benign. Last evaluated: 2013-12-17. Review status: criteria provided, single submitter. Criteria: LMM Criteria. Collection method: clinical testing. Allele origin: germline. Observed: 1 variant allele.
Comment: Glu26469Glu in exon 276 of TTN: This variant is not expected to have clinical si gnificance because it does not alter an amino acid residue and is not located wi thin the splice consensus sequence. It has been identified in 1/8188 European Am erican chromosomes from a broad population by the NHLBI Exome Sequencing Project (dbSNP rs374902148). Glu26469Glu in exon 276 of TTN (rs374902148; allele frequency = 1/8188) **

NM_001267550.2(TTN):c.87111G>A (p.Glu29037=)

Genes: TTN (titin; minus strand), TTN-AS1 (TTN antisense RNA 1; plus strand). Cytogenetic location: 2q31.2.
Variant type: single nucleotide variant.
Coding change: c.87111G>A on transcript NM_001267550.2 (MANE Select); coding-DNA position 87111, G replaced by A.
Protein change: p.Glu29037=; no amino-acid change (glutamic acid 29037 retained).
Molecular consequence: synonymous variant.
Genome position (GRCh38, 1-based): chr2:178,558,348, C>T on the plus strand (G>A on the coding strand, the complement: TTN is on the minus strand). VCF-style: chr2-178558348-C-T. GRCh37 (hg19) VCF-style: chr2-179423075-C-T.
Other names: p.E27396E:GAG>GAA; c.82188G>A, p.Glu27396= (NM_001256850.1); c.59916G>A, p.Glu19972= (NM_003319.4); c.79407G>A, p.Glu26469= (NM_133378.4); c.60291G>A, p.Glu20097= (NM_133432.3); c.60492G>A, p.Glu20164= (NM_133437.4).
Identifiers: ClinVar variation 179040 (VCV000179040.55), dbSNP rs374902148, ClinGen allele CA295821.
Genomic context (GRCh38, chr2:178,558,348, plus strand): 5'-ATAAATCAATGCAAATAATTTCAAATTTTGCTTCTACACAAAATTAGACATACCTAGTTG[C>T]TCCTTAATAAGAACAGGAAGCAGAAGCTCTCTCGGGTCACTCAGGCCAGCTTGATTTTCA-3'
Protein context (NP_001254479.2, residues 29027-29047): RELLLPVLIK[Glu29037=]QLEPPEIDMK